The following is an entry in ClinVar:

NM_000642.3(AGL):c.1615A>G (p.Met539Val)

Gene: AGL (amylo-alpha-1,6-glucosidase and 4-alpha-glucanotransferase; plus strand). Cytogenetic location: 1p21.2.
Variant type: single nucleotide variant.
Coding change: c.1615A>G on transcript NM_000642.3 (MANE Select); coding-DNA position 1615, A replaced by G.
Protein change: p.Met539Val; replaces methionine 539 with valine.
Molecular consequence: missense variant.
Genome position (GRCh38, 1-based): chr1:99,879,926, A>G. VCF-style: chr1-99879926-A-G. GRCh37 (hg19) VCF-style: chr1-100345482-A-G.
Other names: c.1615A>G, p.Met539Val (NM_000028.3, NM_000643.3, NM_000644.3 and 2 more transcripts); c.1567A>G, p.Met523Val (NM_000646.3); c.1414A>G, p.Met472Val (NM_001425327.1); c.1411A>G, p.Met471Val (NM_001425328.1, NM_001425329.1); c.1237A>G, p.Met413Val (NM_001425332.1); short protein forms M539V, M523V, M413V, M471V, M472V.
Identifiers: ClinVar variation 660641 (VCV000660641.7), dbSNP rs764106633, ClinGen allele CA341315365.

ClinVar aggregate classification (germline): Uncertain significance. Review status: criteria provided, multiple submitters, no conflicts (2 of 4 stars). 2 submissions from 2 submitters: Uncertain significance (2). Last evaluated 2024-12-25.

Conditions:
Inborn genetic diseases. Identifiers: MedGen C0950123, MeSH D030342.
Glycogen storage disease type III (GSD3). Also called: FORBES DISEASE; Cori disease. Identifiers: Orphanet 366, MedGen C0017922, MONDO:0009291, OMIM 232400.

gnomAD v4.1: 2 of 1,611,580 alleles (0.00012%); highest among the groups gnomAD compares: East Asian, 0.0022%; no homozygotes.

Submissions (2):

Ambry Genetics
Classification: Uncertain significance for Inborn genetic diseases. Last evaluated: 2024-12-25. Review status: criteria provided, single submitter. Criteria: Ambry Variant Classification Scheme 2023. Collection method: clinical testing. Allele origin: germline.

Labcorp Genetics (formerly Invitae), Labcorp
Classification: Uncertain significance for Glycogen storage disease type III. Last evaluated: 2022-08-07. Review status: criteria provided, single submitter. Criteria: Invitae Variant Classification Sherloc (09022015). Collection method: clinical testing. Allele origin: germline.
Comment: This sequence change replaces methionine, which is neutral and non-polar, with valine, which is neutral and non-polar, at codon 539 of the AGL protein (p.Met539Val). This variant is not present in population databases (gnomAD no frequency). This variant has not been reported in the literature in individuals affected with AGL-related conditions. ClinVar contains an entry for this variant (Variation ID: 660641). Algorithms developed to predict the effect of missense changes on protein structure and function (SIFT, PolyPhen-2, Align-GVGD) all suggest that this variant is likely to be tolerated. In summary, the available evidence is currently insufficient to determine the role of this variant in disease. Therefore, it has been classified as a Variant of Uncertain Significance.